The following is an entry in ClinVar:

ClinVar aggregate classification (germline): Pathogenic (1 of 4 stars; one submission).

Conditions:
Cystic fibrosis (CF). Also called: MUCOVISCIDOSIS. Identifiers: Orphanet 586, MedGen C0010674, MONDO:0009061, OMIM 219700. Disease mechanism: loss of function.

Submission:

Institute of Human Genetics, University of Leipzig Medical Center
Classification: Pathogenic for Cystic fibrosis. Last evaluated: 2022-09-05. Review status: criteria provided, single submitter. Criteria: ACMG Guidelines, 2015. Collection method: curation. Allele origin: unknown. Affected: yes. Observed: 6 variant alleles.
Comment: This variant was identified in 6 unrelated patients with a clinically confirmed diagnosis of cystic fibrosis. The variant was classified in the context of a project re-classifying variants in the German Cystic Fibrosis Registry (Muko.e.V.). Criteria applied: PVS1, PM2_SUP, PM3_STR, PP4

NM_000492.4:c.(2988+1_2989-1)_(3367+1_3368-1)del

Gene: CFTR (CF transmembrane conductance regulator; plus strand).
Variant type: Deletion.
Other names: CFTRdele17a,17b; c.(2988+1_2989-1)_(3367+1_3368-1)del (NM_000492.4).
Identifiers: ClinVar variation 1706081 (VCV001706081.1).